The following is an entry in ClinVar:

ClinVar aggregate classification (germline): Uncertain significance. Review status: criteria provided, multiple submitters, no conflicts (2 of 4 stars). 3 submissions from 3 submitters: Uncertain significance (3). Last evaluated 2025-08-31.

Conditions:
Hyper-IgM syndrome type 5 (HIGM5). Also called: Hyper-IgM Immunodeficiency Syndrome, Type 5. Identifiers: Orphanet 101092, MedGen C1720958, MONDO:0011971, OMIM 608106.

Allele frequency attached by ClinVar (database versions not stated): gnomAD exomes 0.00001 and 0.00002; TOPMed 0.00001; ExAC 0.00002.
gnomAD v4.1: 35 of 1,612,956 alleles (0.0022%); highest among the groups gnomAD compares: Non-Finnish European, 0.0029%; no homozygotes.

Submissions (3):

Ambry Genetics
Classification: Uncertain significance. Last evaluated: 2025-08-31. Review status: criteria provided, single submitter. Criteria: Ambry Variant Classification Scheme 2023. Collection method: clinical testing. Allele origin: germline.

Labcorp Genetics (formerly Invitae), Labcorp
Classification: Uncertain significance for Hyper-IgM syndrome type 5. Last evaluated: 2019-08-28. Review status: criteria provided, single submitter. Criteria: Invitae Variant Classification Sherloc (09022015). Collection method: clinical testing. Allele origin: germline.
Comment: This variant has not been reported in the literature in individuals with UNG-related conditions. ClinVar contains an entry for this variant (Variation ID: 306970). This variant is present in population databases (rs762261195, ExAC 0.003%). This sequence change replaces asparagine with lysine at codon 77 of the UNG protein (p.Asn77Lys). The asparagine residue is highly conserved and there is a moderate physicochemical difference between asparagine and lysine. In summary, the available evidence is currently insufficient to determine the role of this variant in disease. Therefore, it has been classified as a Variant of Uncertain Significance. Algorithms developed to predict the effect of missense changes on protein structure and function are either unavailable or do not agree on the potential impact of this missense change (SIFT: "Deleterious"; PolyPhen-2: "Benign"; Align-GVGD: "Class C25").

Illumina Laboratory Services, Illumina
Classification: Uncertain significance for Hyper-IgM syndrome type 5. Last evaluated: 2018-01-12. Review status: criteria provided, single submitter. Criteria: ICSL Variant Classification Criteria 13 December 2019. Collection method: clinical testing. Allele origin: germline.

NM_080911.3(UNG):c.231C>G (p.Asn77Lys)

Gene: UNG (uracil DNA glycosylase; plus strand). Cytogenetic location: 12q24.11.
Variant type: single nucleotide variant.
Coding change: c.231C>G on transcript NM_080911.3 (MANE Select); coding-DNA position 231, C replaced by G.
Protein change: p.Asn77Lys; replaces asparagine 77 with lysine.
Molecular consequence: missense variant.
Genome position (GRCh38, 1-based): chr12:109,098,530, C>G. VCF-style: chr12-109098530-C-G. GRCh37 (hg19) VCF-style: chr12-109536335-C-G.
Other names: c.204C>G, p.Asn68Lys (NM_003362.4); short protein forms N77K, N68K.
Identifiers: ClinVar variation 306970 (VCV000306970.13), dbSNP rs762261195, ClinGen allele CA6772534.